The following is an entry in ClinVar:

ClinVar aggregate classification (germline): Uncertain significance (1 of 4 stars; one submission).

Conditions:
Spinocerebellar ataxia type 19/22 (SCA19). Also called: SPINOCEREBELLAR ATAXIA 22; SPINOCEREBELLAR ATAXIA 19. Identifiers: Orphanet 98772, MedGen C1846367, MONDO:0011819, OMIM 607346.

Submission:

Labcorp Genetics (formerly Invitae), Labcorp
Classification: Uncertain significance for Spinocerebellar ataxia type 19/22. Last evaluated: 2024-12-10. Review status: criteria provided, single submitter. Criteria: Invitae Variant Classification Sherloc (09022015). Collection method: clinical testing. Allele origin: germline.
Comment: This sequence change replaces glycine, which is neutral and non-polar, with glutamic acid, which is acidic and polar, at codon 600 of the KCND3 protein (p.Gly600Glu). This variant is not present in population databases (gnomAD no frequency). This variant has not been reported in the literature in individuals affected with KCND3-related conditions. Invitae Evidence Modeling of protein sequence and biophysical properties (such as structural, functional, and spatial information, amino acid conservation, physicochemical variation, residue mobility, and thermodynamic stability) indicates that this missense variant is not expected to disrupt KCND3 protein function with a negative predictive value of 95%. In summary, the available evidence is currently insufficient to determine the role of this variant in disease. Therefore, it has been classified as a Variant of Uncertain Significance.

NM_001378969.1(KCND3):c.1799G>A (p.Gly600Glu)

Gene: KCND3 (potassium voltage-gated channel subfamily D member 3; minus strand). Cytogenetic location: 1p13.2.
Variant type: single nucleotide variant.
Coding change: c.1799G>A on transcript NM_001378969.1 (MANE Select); coding-DNA position 1799, G replaced by A.
Protein change: p.Gly600Glu; replaces glycine 600 with glutamic acid.
Molecular consequence: missense variant.
Genome position (GRCh38, 1-based): chr1:111,776,246, C>T on the plus strand (G>A on the coding strand, the complement: KCND3 is on the minus strand). VCF-style: chr1-111776246-C-T. GRCh37 (hg19) VCF-style: chr1-112318868-C-T.
Other names: c.1742G>A, p.Gly581Glu (NM_001378970.1, NM_172198.3); c.1799G>A, p.Gly600Glu (NM_004980.5); short protein forms G600E, G581E.
Identifiers: ClinVar variation 3689972 (VCV003689972.2).